The following is an entry in ClinVar:

ClinVar aggregate classification (germline): Uncertain significance (1 of 4 stars; one submission).

Allele frequency attached by ClinVar (database versions not stated): gnomAD exomes below 0.00001; TOPMed 0.00001.
gnomAD v4.1: 1 of 1,205,386 alleles (0.000083%); highest among the groups gnomAD compares: African/African-American, 0.0017%; no homozygotes.

Submission:

Labcorp Genetics (formerly Invitae), Labcorp
Classification: Uncertain significance. Last evaluated: 2023-05-08. Review status: criteria provided, single submitter. Criteria: Invitae Variant Classification Sherloc (09022015). Collection method: clinical testing. Allele origin: germline.
Comment: An algorithm developed to predict the effect of missense changes on protein structure and function (PolyPhen-2) suggests that this variant is likely to be disruptive. In summary, the available evidence is currently insufficient to determine the role of this variant in disease. Therefore, it has been classified as a Variant of Uncertain Significance. ClinVar contains an entry for this variant (Variation ID: 2146986). This variant has not been reported in the literature in individuals affected with NSDHL-related conditions. This variant is not present in population databases (gnomAD no frequency). This sequence change replaces histidine, which is basic and polar, with tyrosine, which is neutral and polar, at codon 103 of the NSDHL protein (p.His103Tyr).

NM_015922.3(NSDHL):c.307C>T (p.His103Tyr)

Gene: NSDHL (NAD(P) dependent 3-beta-hydroxysteroid dehydrogenase NSDHL; plus strand). Cytogenetic location: Xq28.
Variant type: single nucleotide variant.
Coding change: c.307C>T on transcript NM_015922.3 (MANE Select); coding-DNA position 307, C replaced by T.
Protein change: p.His103Tyr; replaces histidine 103 with tyrosine.
Molecular consequence: missense variant.
Genome position (GRCh38, 1-based): chrX:152,858,809, C>T. VCF-style: chrX-152858809-C-T. GRCh37 (hg19) VCF-style: chrX-152027353-C-T.
Other names: c.307C>T, p.His103Tyr (NM_001129765.2); short protein forms H103Y.
Identifiers: ClinVar variation 2146986 (VCV002146986.4), dbSNP rs1933482050, ClinGen allele CA415284748.
Genomic context (GRCh38, chrX:152,858,809, plus strand): 5'-TGTCTTTCTTTGCTTTTCCAGGATCTGTACCCAGCTCTGAAAGGTGTAAACACAGTTTTC[C>T]ACTGTGCGTCACCCCCACCATCCAGTAACAACAAGGAGCTCTTTTATAGAGTGAATTACA-3'
Protein context (NP_057006.1, residues 93-113): PALKGVNTVF[His103Tyr]CASPPPSSNN